The following is an entry in ClinVar:

ClinVar aggregate classification (germline): Uncertain significance. Review status: criteria provided, multiple submitters, no conflicts (2 of 4 stars). 4 submissions from 4 submitters: Uncertain significance (4). Last evaluated 2024-12-02.

Conditions:
Inborn genetic diseases. Identifiers: MedGen C0950123, MeSH D030342.
Hereditary spastic paraplegia 48. Also called: SPASTIC PARAPLEGIA 48, AUTOSOMAL RECESSIVE; Spastic paraplegia 48. Identifiers: Orphanet 306511, MedGen C3150901, MONDO:0013342, OMIM 613647.
Hereditary spastic paraplegia. Also called: Familial spastic paraparesis. Identifiers: Orphanet 685, MedGen C0037773, MONDO:0019064. Disease mechanism: loss of function.

gnomAD v4.1: 68 of 1,551,906 alleles (0.0044%); highest among the groups gnomAD compares: African/African-American, 0.051%; 2 homozygotes.

Submissions (4):

Labcorp Genetics (formerly Invitae), Labcorp
Classification: Uncertain significance for Hereditary spastic paraplegia 48. Last evaluated: 2024-12-02. Review status: criteria provided, single submitter. Criteria: Invitae Variant Classification Sherloc (09022015). Collection method: clinical testing. Allele origin: germline.
Comment: This sequence change replaces leucine, which is neutral and non-polar, with valine, which is neutral and non-polar, at codon 439 of the AP5Z1 protein (p.Leu439Val). This variant is present in population databases (rs113014863, gnomAD 0.01%). This variant has not been reported in the literature in individuals affected with AP5Z1-related conditions. ClinVar contains an entry for this variant (Variation ID: 1344212). Invitae Evidence Modeling of protein sequence and biophysical properties (such as structural, functional, and spatial information, amino acid conservation, physicochemical variation, residue mobility, and thermodynamic stability) has been performed for this missense variant. However, the output from this modeling did not meet the statistical confidence thresholds required to predict the impact of this variant on AP5Z1 protein function. In summary, the available evidence is currently insufficient to determine the role of this variant in disease. Therefore, it has been classified as a Variant of Uncertain Significance.

Mayo Clinic Laboratories, Mayo Clinic
Classification: Uncertain significance. Last evaluated: 2023-07-27. Review status: criteria provided, single submitter. Criteria: ACMG Guidelines, 2015. Collection method: clinical testing. Allele origin: germline. Observed: 1 variant allele.
Comment: PM2_moderate

Ambry Genetics
Classification: Uncertain significance for Inborn genetic diseases. Last evaluated: 2021-06-08. Review status: criteria provided, single submitter. Criteria: Ambry Variant Classification Scheme 2023. Collection method: clinical testing. Allele origin: germline.

Genome Diagnostics Laboratory, The Hospital for Sick Children
Classification: Uncertain significance for Hereditary spastic paraplegia. Last evaluated: 2019-06-01. Review status: criteria provided, single submitter. Criteria: ACMG Guidelines, 2015. Collection method: clinical testing. Allele origin: germline. Affected: yes.

NM_014855.3(AP5Z1):c.1315C>G (p.Leu439Val)

Gene: AP5Z1 (adaptor related protein complex 5 subunit zeta 1; plus strand). Cytogenetic location: 7p22.1.
Variant type: single nucleotide variant.
Coding change: c.1315C>G on transcript NM_014855.3 (MANE Select); coding-DNA position 1315, C replaced by G.
Protein change: p.Leu439Val; replaces leucine 439 with valine.
Molecular consequence: missense variant. On other transcripts: non-coding transcript variant (1).
Genome position (GRCh38, 1-based): chr7:4,787,637, C>G. VCF-style: chr7-4787637-C-G. GRCh37 (hg19) VCF-style: chr7-4827268-C-G.
Other names: p.Leu439Val; c.847C>G, p.Leu283Val (NM_001364858.1); short protein forms L283V, L439V.
Identifiers: ClinVar variation 1344212 (VCV001344212.9), dbSNP rs113014863, ClinGen allele CA4137761.